The following is an entry in ClinVar:

ClinVar aggregate classification (germline): Uncertain significance (1 of 4 stars; one submission).

Submission:

CeGaT Center for Human Genetics Tuebingen
Classification: Uncertain significance. Last evaluated: 2024-08-01. Review status: criteria provided, single submitter. Criteria: CeGaT Center For Human Genetics Tuebingen Variant Classification Criteria Version 2. Collection method: clinical testing. Allele origin: germline. Affected: yes. Observed: 1 variant allele.
Comment: USH2A: PM2, BP4

NM_206933.4(USH2A):c.7803A>C (p.Glu2601Asp)

Gene: USH2A (usherin; minus strand). Cytogenetic location: 1q41.
Variant type: single nucleotide variant.
Coding change: c.7803A>C on transcript NM_206933.4 (MANE Select); coding-DNA position 7803, A replaced by C.
Protein change: p.Glu2601Asp; replaces glutamic acid 2601 with aspartic acid.
Molecular consequence: missense variant.
Genome position (GRCh38, 1-based): chr1:215,888,846, T>G on the plus strand (A>C on the coding strand, the complement: USH2A is on the minus strand). VCF-style: chr1-215888846-T-G. GRCh37 (hg19) VCF-style: chr1-216062188-T-G.
Other names: short protein forms E2601D.
Identifiers: ClinVar variation 3341723 (VCV003341723.16).